The following is an entry in ClinVar:

NM_152594.3(SPRED1):c.503A>G (p.Tyr168Cys)

Gene: SPRED1 (sprouty related EVH1 domain containing 1; plus strand). Cytogenetic location: 15q14.
Variant type: single nucleotide variant.
Coding change: c.503A>G on transcript NM_152594.3 (MANE Select); coding-DNA position 503, A replaced by G.
Protein change: p.Tyr168Cys; replaces tyrosine 168 with cysteine.
Molecular consequence: missense variant.
Genome position (GRCh38, 1-based): chr15:38,339,816, A>G. VCF-style: chr15-38339816-A-G. GRCh37 (hg19) VCF-style: chr15-38632017-A-G.
Other names: short protein forms Y168C.
Identifiers: ClinVar variation 4174046 (VCV004174046.1).
Genomic context (GRCh38, chr15:38,339,816, plus strand): 5'-CCAGTTCTCTAGTGAAGGATCACCTTTTTCAGCAAGAGACAGTTGTTACCAGTGAGCCTT[A>G]TAGAAGCTCAAATATAAGACCTTCTCCCTTTGAAGATCTGAATGCCAGAAGAGTCTACAT-3'
Protein context (NP_689807.1, residues 158-178): QQETVVTSEP[Tyr168Cys]RSSNIRPSPF

ClinVar aggregate classification (germline): Uncertain significance (1 of 4 stars; one submission).

Conditions:
Cardiovascular phenotype. Identifiers: MedGen CN230736.

Submission:

Ambry Genetics
Classification: Uncertain significance for Cardiovascular phenotype. Last evaluated: 2025-08-14. Review status: criteria provided, single submitter. Criteria: Ambry Variant Classification Scheme 2023. Collection method: clinical testing. Allele origin: germline.
Comment: The p.Y168C variant (also known as c.503A>G), located in coding exon 5 of the SPRED1 gene, results from an A to G substitution at nucleotide position 503. The tyrosine at codon 168 is replaced by cysteine, an amino acid with highly dissimilar properties. This amino acid position is conserved. In addition, the in silico prediction for this alteration is inconclusive. Based on the available evidence, the clinical significance of this variant remains unclear.